The following is an entry in ClinVar:

ClinVar aggregate classification (germline): Uncertain significance (1 of 4 stars; one submission).

Conditions:
Axenfeld-Rieger syndrome type 3 (RIEG3). Also called: AXENFELD-RIEGER ANOMALY WITH CARDIAC DEFECTS AND/OR SENSORINEURAL HEARING LOSS. Identifiers: Orphanet 782, MedGen C2678503, MONDO:0011233, OMIM 602482.

gnomAD v4.1: 2 of 1,452,382 alleles (0.00014%); highest among the groups gnomAD compares: East Asian, 0.0029%; no homozygotes.

Submission:

Labcorp Genetics (formerly Invitae), Labcorp
Classification: Uncertain significance for Axenfeld-Rieger syndrome type 3. Last evaluated: 2024-11-05. Review status: criteria provided, single submitter. Criteria: Invitae Variant Classification Sherloc (09022015). Collection method: clinical testing. Allele origin: germline.
Comment: This sequence change replaces proline, which is neutral and non-polar, with arginine, which is basic and polar, at codon 206 of the FOXC1 protein (p.Pro206Arg). This variant is present in population databases (no rsID available, gnomAD 0.03%). This variant has not been reported in the literature in individuals affected with FOXC1-related conditions. ClinVar contains an entry for this variant (Variation ID: 1461935). An algorithm developed to predict the effect of missense changes on protein structure and function (PolyPhen-2) suggests that this variant is likely to be tolerated. In summary, the available evidence is currently insufficient to determine the role of this variant in disease. Therefore, it has been classified as a Variant of Uncertain Significance.

NM_001453.3(FOXC1):c.617C>G (p.Pro206Arg)

Gene: FOXC1 (forkhead box C1; plus strand). Cytogenetic location: 6p25.3.
Variant type: single nucleotide variant.
Coding change: c.617C>G on transcript NM_001453.3 (MANE Select); coding-DNA position 617, C replaced by G.
Protein change: p.Pro206Arg; replaces proline 206 with arginine.
Molecular consequence: missense variant.
Genome position (GRCh38, 1-based): chr6:1,611,062, C>G. VCF-style: chr6-1611062-C-G. GRCh37 (hg19) VCF-style: chr6-1611297-C-G.
Other names: short protein forms P206R.
Identifiers: ClinVar variation 1461935 (VCV001461935.6), dbSNP rs1245295588, ClinGen allele CA362559212.
Genomic context (GRCh38, chr6:1,611,062, plus strand): 5'-AGGACAGGCTGCACCTCAAGGAGCCGCCCCCGCCCGGCCGCCAGCCCCCGCCCGCGCCGC[C>G]GGAGCAGGCCGACGGCAACGCGCCCGGTCCGCAGCCGCCGCCCGTGCGCATCCAGGACAT-3'
Protein context (NP_001444.2, residues 196-216): PPGRQPPPAP[Pro206Arg]EQADGNAPGP